The following is an entry in ClinVar:

NM_000264.5(PTCH1):c.3023G>T (p.Ser1008Ile)

Gene: PTCH1 (patched 1; minus strand). Cytogenetic location: 9q22.32.
Variant type: single nucleotide variant.
Coding change: c.3023G>T on transcript NM_000264.5 (MANE Select); coding-DNA position 3023, G replaced by T.
Protein change: p.Ser1008Ile; replaces serine 1008 with isoleucine.
Molecular consequence: missense variant. On other transcripts: non-coding transcript variant (1).
Genome position (GRCh38, 1-based): chr9:95,458,158, C>A on the plus strand (G>T on the coding strand, the complement: PTCH1 is on the minus strand). VCF-style: chr9-95458158-C-A. GRCh37 (hg19) VCF-style: chr9-98220440-C-A.
Other names: c.2825G>T, p.Ser942Ile (NM_001083602.3); c.3020G>T, p.Ser1007Ile (NM_001083603.3); c.2570G>T, p.Ser857Ile (NM_001083604.3, NM_001083605.3, NM_001083606.3 and 1 more transcripts); c.2867G>T, p.Ser956Ile (NM_001354918.2); short protein forms S1007I, S1008I, S857I, S942I, S956I.
Identifiers: ClinVar variation 646715 (VCV000646715.9), dbSNP rs1286123273, ClinGen allele CA374112559.

ClinVar aggregate classification (germline): Uncertain significance (1 of 4 stars; one submission).

Conditions:
Gorlin syndrome. Also called: Basal cell nevus syndrome; Nevoid Basal Cell Carcinoma Syndrome. Identifiers: Orphanet 377, MedGen C0004779, MONDO:0007187.

Allele frequency attached by ClinVar (database versions not stated): gnomAD exomes below 0.00001.
gnomAD v4.1: 2 of 1,614,242 alleles (0.00012%); highest among the groups gnomAD compares: Non-Finnish European, 0.00017%; no homozygotes.

Submission:

Labcorp Genetics (formerly Invitae), Labcorp
Classification: Uncertain significance for Gorlin syndrome. Last evaluated: 2018-11-05. Review status: criteria provided, single submitter. Criteria: Invitae Variant Classification Sherloc (09022015). Collection method: clinical testing. Allele origin: germline.
Comment: In summary, the available evidence is currently insufficient to determine the role of this variant in disease. Therefore, it has been classified as a Variant of Uncertain Significance. Algorithms developed to predict the effect of missense changes on protein structure and function are either unavailable or do not agree on the potential impact of this missense change (SIFT: "Deleterious"; PolyPhen-2: "Probably Damaging"; Align-GVGD: "Class C0"). This variant has not been reported in the literature in individuals with PTCH1-related disease. This variant is not present in population databases (ExAC no frequency). This sequence change replaces serine with isoleucine at codon 1008 of the PTCH1 protein (p.Ser1008Ile). The serine residue is moderately conserved and there is a large physicochemical difference between serine and isoleucine.